The following is an entry in ClinVar:

NM_000186.4(CFH):c.1069T>A (p.Cys357Ser)

Gene: CFH (complement factor H; plus strand). Cytogenetic location: 1q31.3.
Variant type: single nucleotide variant.
Coding change: c.1069T>A on transcript NM_000186.4 (MANE Select); coding-DNA position 1069, T replaced by A.
Protein change: p.Cys357Ser; replaces cysteine 357 with serine.
Molecular consequence: missense variant.
Genome position (GRCh38, 1-based): chr1:196,689,524, T>A. VCF-style: chr1-196689524-T-A. GRCh37 (hg19) VCF-style: chr1-196658654-T-A.
Other names: c.1069T>A, p.Cys357Ser (NM_001014975.3); short protein forms C357S.
Identifiers: ClinVar variation 4291357 (VCV004291357.1).

ClinVar aggregate classification (germline): Uncertain significance (1 of 4 stars; one submission).

Conditions:
Age related macular degeneration 4. Identifiers: MedGen C1853147, MONDO:0012540, OMIM 610698.

Submission:

Genomenon, Inc
Classification: Uncertain significance for Age related macular degeneration 4. Last evaluated: 2025-10-02. Review status: criteria provided, single submitter. Criteria: Genomenon Sequence Variant Interpretation Standards - Updated. Collection method: curation. Allele origin: germline. Affected: yes.
Comment: CFH p.Cys357Ser (c.1069T>A) is a missense variant that changes the amino acid at residue 357 from Cysteine to Serine. This variant has been observed in at least one proband affected with age-related macular degeneration (PMID:34508573). It is absent or not present at a significant frequency in gnomAD. In silico models agree that this variant is possibly or probably damaging. In conclusion, we classify CFH p.Cys357Ser (c.1069T>A) as a variant of uncertain significance.

Literature cited by the submitters: PubMed 34508573.